The following is an entry in ClinVar:

ClinVar aggregate classification (germline): Uncertain significance (1 of 4 stars; one submission).

Conditions:
Immunodeficiency 51 (IMD51). Also called: CANDIDIASIS, FAMILIAL, 5. Identifiers: Orphanet 1334, MedGen C4310803, MONDO:0013500, OMIM 613953.

Submission:

Labcorp Genetics (formerly Invitae), Labcorp
Classification: Uncertain significance for Immunodeficiency 51. Last evaluated: 2018-04-25. Review status: criteria provided, single submitter. Criteria: Invitae Variant Classification Sherloc (09022015). Collection method: clinical testing. Allele origin: germline.
Comment: In summary, the available evidence is currently insufficient to determine the role of this variant in disease. Therefore, it has been classified as a Variant of Uncertain Significance. Algorithms developed to predict the effect of missense changes on protein structure and function (SIFT, PolyPhen-2, Align-GVGD) all suggest that this variant is likely to be tolerated, but these predictions have not been confirmed by published functional studies and their clinical significance is uncertain. This variant has not been reported in the literature in individuals with IL17RA-related disease. This variant is not present in population databases (ExAC no frequency). This sequence change replaces leucine with valine at codon 826 of the IL17RA protein (p.Leu826Val). The leucine residue is weakly conserved and there is a small physicochemical difference between leucine and valine.

NM_014339.7(IL17RA):c.2476C>G (p.Leu826Val)

Gene: IL17RA (interleukin 17 receptor A; plus strand). Cytogenetic location: 22q11.1.
Variant type: single nucleotide variant.
Coding change: c.2476C>G on transcript NM_014339.7 (MANE Select); coding-DNA position 2476, C replaced by G.
Protein change: p.Leu826Val; replaces leucine 826 with valine.
Molecular consequence: missense variant.
Genome position (GRCh38, 1-based): chr22:17,109,695, C>G. VCF-style: chr22-17109695-C-G. GRCh37 (hg19) VCF-style: chr22-17590585-C-G.
Other names: c.2374C>G, p.Leu792Val (NM_001289905.2); short protein forms L826V, L792V.
Identifiers: ClinVar variation 571940 (VCV000571940.8), dbSNP rs1568924494, ClinGen allele CA410222290.
Genomic context (GRCh38, chr22:17,109,695, plus strand): 5'-GAGGGACTCACGGAAATGGAGGAAGAGGAGGAAGAGGAGCAGGACCCAGGGAAGCCGGCC[C>G]TGCCACTCTCTCCCGAGGACCTGGAGAGCCTGAGGAGCCTCCAGCGGCAGCTGCTTTTCC-3'
Protein context (NP_055154.3, residues 816-836): EEEQDPGKPA[Leu826Val]PLSPEDLESL